The following is an entry in ClinVar:

ClinVar aggregate classification (germline): Conflicting classifications of pathogenicity. Review status: criteria provided, conflicting classifications (1 of 4 stars). 2 submissions from 2 submitters: Likely pathogenic (1); Uncertain significance (1). Last evaluated 2024-05-27.

Conditions:
Retinal dystrophy. Also called: Inherited retinal dystrophy. Identifiers: Orphanet 71862, MedGen C0854723, MeSH D058499, MONDO:0019118, HP:0000556.

Allele frequency attached by ClinVar (database versions not stated): gnomAD 0.00001; TOPMed below 0.00001.
gnomAD v4.1: 1 of 1,613,244 alleles (0.000062%); highest among the groups gnomAD compares: Non-Finnish European, 0.000085%; no homozygotes.

Submissions (2):

Ophthalmic Genetics Group, Institute of Molecular and Clinical Ophthalmology Basel
Classification: Likely pathogenic for Retinal dystrophy. Last evaluated: 2024-05-27. Review status: criteria provided, single submitter. Criteria: ACMG Guidelines, 2015. Collection method: research. Allele origin: germline. Affected: yes. Observed: 11 variant alleles.
Comment: This variant was classified as Likely pathogenic based on ACMG criteria: PM1_sup, PM2_sup, PP1_strong, PP2_sup and PP3_sup

Labcorp Genetics (formerly Invitae), Labcorp
Classification: Uncertain significance. Last evaluated: 2023-06-08. Review status: criteria provided, single submitter. Criteria: Invitae Variant Classification Sherloc (09022015). Collection method: clinical testing. Allele origin: germline.
Comment: In summary, the available evidence is currently insufficient to determine the role of this variant in disease. Therefore, it has been classified as a Variant of Uncertain Significance. An algorithm developed to predict the effect of missense changes on protein structure and function (PolyPhen-2) suggests that this variant is likely to be tolerated. ClinVar contains an entry for this variant (Variation ID: 2096093). This variant has not been reported in the literature in individuals affected with PDE6A-related conditions. This variant is not present in population databases (gnomAD no frequency). This sequence change replaces cysteine, which is neutral and slightly polar, with arginine, which is basic and polar, at codon 482 of the PDE6A protein (p.Cys482Arg).

Literature cited by the submitters: PubMed 40180963 (cited by Ophthalmic Genetics Group, Institute of Molecular and Clinical Ophthalmology Basel).

NM_000440.3(PDE6A):c.1444T>C (p.Cys482Arg)

Gene: PDE6A (phosphodiesterase 6A; minus strand). Cytogenetic location: 5q32.
Variant type: single nucleotide variant.
Coding change: c.1444T>C on transcript NM_000440.3 (MANE Select); coding-DNA position 1444, T replaced by C.
Protein change: p.Cys482Arg; replaces cysteine 482 with arginine.
Molecular consequence: missense variant.
Genome position (GRCh38, 1-based): chr5:149,896,740, A>G on the plus strand (T>C on the coding strand, the complement: PDE6A is on the minus strand). VCF-style: chr5-149896740-A-G. GRCh37 (hg19) VCF-style: chr5-149276303-A-G.
Other names: NP_000431.2:p.(Cys482Arg); c.1201T>C, p.Cys401Arg (NM_001410788.1); short protein forms C482R, C401R.
Identifiers: ClinVar variation 2096093 (VCV002096093.6), dbSNP rs1386927449, ClinGen allele CA361695936.